The following is an entry in ClinVar:

NM_001370100.5(ZMYND11):c.556C>A (p.Pro186Thr)

Gene: ZMYND11 (zinc finger MYND-type containing 11; plus strand). Cytogenetic location: 10p15.3.
Variant type: single nucleotide variant.
Coding change: c.556C>A on transcript NM_001370100.5 (MANE Select); coding-DNA position 556, C replaced by A.
Protein change: p.Pro186Thr; replaces proline 186 with threonine.
Molecular consequence: missense variant. On other transcripts: non-coding transcript variant (1), intron variant (4).
Genome position (GRCh38, 1-based): chr10:237,624, C>A. VCF-style: chr10-237624-C-A. GRCh37 (hg19) VCF-style: chr10-283564-C-A.
Other names: c.394C>A, p.Pro132Thr (NM_001202464.3, NM_001202466.3, NM_001202467.1 and 9 more transcripts); c.556C>A, p.Pro186Thr (NM_001202468.1, NM_001370097.3, NM_001370098.2 and 8 more transcripts); c.505C>A, p.Pro169Thr (NM_001330057.3, NM_001370112.2); c.490C>A, p.Pro164Thr (NM_001370116.2); c.436C>A, p.Pro146Thr (NM_001370118.2); c.328C>A, p.Pro110Thr (NM_001370120.2); c.274C>A, p.Pro92Thr (NM_001370121.2); c.343C>A, p.Pro115Thr (NM_001370123.2); and 3 more; short protein forms P110T, P115T, P132T, P146T, P164T, P169T, P186T, P29T.
Identifiers: ClinVar variation 1700968 (VCV001700968.2), dbSNP rs2131694634, ClinGen allele CA375844981.

ClinVar aggregate classification (germline): Uncertain significance (1 of 4 stars; one submission).

Submission:

GeneDx
Classification: Uncertain significance. Last evaluated: 2022-02-14. Review status: criteria provided, single submitter. Criteria: GeneDx Variant Classification Process June 2021. Collection method: clinical testing. Allele origin: germline. Affected: yes.
Comment: Not observed at significant frequency in large population cohorts (gnomAD); In silico analysis supports that this missense variant has a deleterious effect on protein structure/function; Has not been previously published as pathogenic or benign to our knowledge